The following is an entry in ClinVar:

ClinVar aggregate classification (germline): Uncertain significance (1 of 4 stars; one submission).

Conditions:
Cohen syndrome (COH1). Also called: Cutis verticis gyrata, retinitis pigmentosa, and sensorineural deafness; PEPPER SYNDROME. Identifiers: Orphanet 193, MedGen C0265223, MONDO:0008999, OMIM 216550.

gnomAD v4.1: 1 of 1,609,234 alleles (0.000062%); no homozygotes.

Submission:

Labcorp Genetics (formerly Invitae), Labcorp
Classification: Uncertain significance for Cohen syndrome. Last evaluated: 2022-08-09. Review status: criteria provided, single submitter. Criteria: Invitae Variant Classification Sherloc (09022015). Collection method: clinical testing. Allele origin: germline.
Comment: In summary, the available evidence is currently insufficient to determine the role of this variant in disease. Therefore, it has been classified as a Variant of Uncertain Significance. Variants that disrupt the consensus splice site are a relatively common cause of aberrant splicing (PMID: 17576681, 9536098). Algorithms developed to predict the effect of sequence changes on RNA splicing suggest that this variant may disrupt the consensus splice site. This variant has not been reported in the literature in individuals affected with VPS13B-related conditions. This variant is not present in population databases (gnomAD no frequency). This sequence change affects codon 671 of the VPS13B mRNA. It is a 'silent' change, meaning that it does not change the encoded amino acid sequence of the VPS13B protein. This variant also falls at the last nucleotide of exon 14, which is part of the consensus splice site for this exon.

Literature cited by the submitters: PubMed 17576681; PubMed 9536098.

NM_152564.5(VPS13B):c.2013G>A (p.Lys671=)

Gene: VPS13B (vacuolar protein sorting 13 homolog B; plus strand). Cytogenetic location: 8q22.2.
Variant type: single nucleotide variant.
Coding change: c.2013G>A on transcript NM_152564.5 (MANE Select); coding-DNA position 2013, G replaced by A.
Protein change: p.Lys671=; no amino-acid change (lysine 671 retained).
Molecular consequence: synonymous variant.
Genome position (GRCh38, 1-based): chr8:99,148,010, G>A. VCF-style: chr8-99148010-G-A. GRCh37 (hg19) VCF-style: chr8-100160238-G-A.
Other names: c.2013G>A, p.Lys671= (NM_015243.3, NM_017890.5).
Identifiers: ClinVar variation 1977244 (VCV001977244.5), dbSNP rs879220906, ClinGen allele CA182901575.